The following is an entry in ClinVar:

ClinVar aggregate classification (germline): Uncertain significance (1 of 4 stars; one submission).

Conditions:
Autosomal recessive limb-girdle muscular dystrophy type 2J (LGMDR10). Also called: Limb-girdle muscular dystrophy, type 2J; MUSCULAR DYSTROPHY, LIMB-GIRDLE, AUTOSOMAL RECESSIVE 10. Identifiers: Orphanet 140922, MedGen C1837342, MONDO:0012127, OMIM 608807.
Dilated cardiomyopathy 1G (CMD1G). Identifiers: Orphanet 154, MedGen C1858763, MONDO:0011400, OMIM 604145.

gnomAD v4.1: 1 of 1,613,546 alleles (0.000062%); highest among the groups gnomAD compares: African/African-American, 0.0013%; no homozygotes.

Submission:

Labcorp Genetics (formerly Invitae), Labcorp
Classification: Uncertain significance for Dilated cardiomyopathy 1G; Autosomal recessive limb-girdle muscular dystrophy type 2J. Last evaluated: 2024-11-04. Review status: criteria provided, single submitter. Criteria: Invitae Variant Classification Sherloc (09022015). Collection method: clinical testing. Allele origin: germline.
Comment: This sequence change replaces isoleucine, which is neutral and non-polar, with threonine, which is neutral and polar, at codon 31799 of the TTN protein (p.Ile31799Thr). This variant is not present in population databases (gnomAD no frequency). This variant has not been reported in the literature in individuals affected with TTN-related conditions. Experimental studies and prediction algorithms are not available or were not evaluated, and the functional significance of this variant is currently unknown. This variant is located in the A band of TTN (PMID: 25589632). Variants in this region may be relevant for cardiac or neuromuscular disorders (PMID: 25589632, 23975875). In summary, the available evidence is currently insufficient to determine the role of this variant in disease. Therefore, it has been classified as a Variant of Uncertain Significance.

Literature cited by the submitters: PubMed 25589632; PubMed 23975875.

NM_001267550.2(TTN):c.95396T>C (p.Ile31799Thr)

Genes: TTN-AS1 (TTN antisense RNA 1; plus strand), TTN (titin; minus strand). Cytogenetic location: 2q31.2.
Variant type: single nucleotide variant.
Coding change: c.95396T>C on transcript NM_001267550.2 (MANE Select); coding-DNA position 95396, T replaced by C.
Protein change: p.Ile31799Thr; replaces isoleucine 31799 with threonine.
Molecular consequence: missense variant.
Genome position (GRCh38, 1-based): chr2:178,545,840, A>G on the plus strand (T>C on the coding strand, the complement: TTN is on the minus strand). VCF-style: chr2-178545840-A-G. GRCh37 (hg19) VCF-style: chr2-179410567-A-G.
Other names: c.90473T>C, p.Ile30158Thr (NM_001256850.1); c.68201T>C, p.Ile22734Thr (NM_003319.4); c.87692T>C, p.Ile29231Thr (NM_133378.4); c.68576T>C, p.Ile22859Thr (NM_133432.3); c.68777T>C, p.Ile22926Thr (NM_133437.4); short protein forms I22734T, I22859T, I22926T, I29231T, I30158T, I31799T.
Identifiers: ClinVar variation 3750628 (VCV003750628.2).
Genomic context (GRCh38, chr2:178,545,840, plus strand): 5'-CATTTCAACTGTCAAATTATTTAAAAGTGTTAATACTTACTGAATGAGTTTCTGGCTACA[A>G]TTGGCTCTGATTCAACAGGCACACCAGGGCCATATTTGTTTACTGCCCTCACTCGGAATA-3'
Protein context (NP_001254479.2, residues 31789-31809): GPGVPVESEP[Ile31799Thr]VARNSFTIPS